The following is an entry in ClinVar:

ClinVar aggregate classification (germline): Uncertain significance (1 of 4 stars; one submission).

Submission:

Labcorp Genetics (formerly Invitae), Labcorp
Classification: Uncertain significance. Last evaluated: 2024-04-03. Review status: criteria provided, single submitter. Criteria: Invitae Variant Classification Sherloc (09022015). Collection method: clinical testing. Allele origin: germline.
Comment: This sequence change affects codon 793 of the KIF23 mRNA. It is a 'silent' change, meaning that it does not change the encoded amino acid sequence of the KIF23 protein. This variant also falls at the last nucleotide of exon 18, which is part of the consensus splice site for this exon. This variant is not present in population databases (gnomAD no frequency). This variant has not been reported in the literature in individuals affected with KIF23-related conditions. Variants that disrupt the consensus splice site are a relatively common cause of aberrant splicing (PMID: 17576681, 9536098). Algorithms developed to predict the effect of sequence changes on RNA splicing suggest that this variant may disrupt the consensus splice site. In summary, the available evidence is currently insufficient to determine the role of this variant in disease. Therefore, it has been classified as a Variant of Uncertain Significance.

Literature cited by the submitters: PubMed 17576681; PubMed 9536098.

NM_001367805.3(KIF23):c.2421G>A (p.Arg807=)

Gene: KIF23 (kinesin family member 23; plus strand). Cytogenetic location: 15q23.
Variant type: single nucleotide variant.
Coding change: c.2421G>A on transcript NM_001367805.3 (MANE Select); coding-DNA position 2421, G replaced by A.
Protein change: p.Arg807=; no amino-acid change (arginine 807 retained).
Molecular consequence: synonymous variant. On other transcripts: non-coding transcript variant (1), intron variant (1).
Genome position (GRCh38, 1-based): chr15:69,441,079, G>A. VCF-style: chr15-69441079-G-A. GRCh37 (hg19) VCF-style: chr15-69733418-G-A.
Other names: c.2067+592G>A (NM_004856.7); c.2049G>A, p.Arg683= (NM_001281301.2); c.2379G>A, p.Arg793= (NM_001367804.2, NM_138555.4).
Identifiers: ClinVar variation 3680782 (VCV003680782.2).
Genomic context (GRCh38, chr15:69,441,079, plus strand): 5'-CAGGGAGGTGGTTCCTACATTCAGAAATGAGATAGAAATAGAAGAGGATCATTGCGGCAG[G>A]GTTAGTGCCAGTATTATTTTAACGCATTGTAGCAATAGATTTTATCTTCTTTGTTTTTTG-3'
Protein context (NP_001354734.1, residues 797-817): EIEIEEDHCG[Arg807=]LLFQPDQNAP